The following is an entry in ClinVar:

ClinVar aggregate classification (germline): Pathogenic (1 of 4 stars; one submission).

Allele frequency attached by ClinVar (database versions not stated): gnomAD exomes below 0.00001 and 0.00001; ExAC 0.00001; gnomAD 0.00001.

Submission:

GeneDx
Classification: Pathogenic. Last evaluated: 2019-09-30. Review status: criteria provided, single submitter. Criteria: GeneDx Variant Classification Process June 2021. Collection method: clinical testing. Allele origin: germline. Affected: yes.
Comment: Frameshift variant predicted to result in protein truncation or nonsense mediated decay in a gene for which loss-of-function is a known mechanism of disease; Not observed at a significant frequency in large population cohorts (Lek et al., 2016); Has not been previously published as pathogenic or benign to our knowledge; Observed with a likely pathogenic variant on the opposite allele (in trans) in a family referred for genetic testing at GeneDx with features suggestive of a DPH1-related disorder

NM_001383.6(DPH1):c.914_927del (p.Glu305fs)

Gene: DPH1 (diphthamide biosynthesis 1; plus strand). Cytogenetic location: 17p13.3.
Variant type: Deletion.
Coding change: c.914_927del on transcript NM_001383.6 (MANE Select); coding-DNA positions 914 to 927, 14 bases deleted (AATCTCGACTCCGA).
Protein change: p.Glu305fs; shifts the reading frame from glutamic acid 305.
Molecular consequence: frameshift variant. On other transcripts: non-coding transcript variant (3).
Genome position (GRCh38, 1-based): chr17:2,040,512-2,040,525, AATCTCGACTCCGA deleted. VCF-style (leftmost placement, unchanged base first): chr17-2040511-GAATCTCGACTCCGA-G. GRCh37 (hg19) VCF-style: chr17-1943805-GAATCTCGACTCCGA-G.
Other names: c.866_879del, p.Glu289fs (NM_001346574.1); c.833_846del, p.Glu278fs (NM_001346575.1); c.509_522del, p.Glu170fs (NM_001346576.2); short protein forms E170fs, E278fs, E289fs, E305fs.
Identifiers: ClinVar variation 1188796 (VCV001188796.2), dbSNP rs757405584, ClinGen allele CA8277196.
Genomic context (GRCh38, chr17:2,040,511, plus strand): 5'-TCAGCTTTGGCTGCTTGACCAGGTGACCCCCACCCTGCCTCCCTCTCCCAACAGCACCTG[GAATCTCGACTCCGA>G]GCCTTGGGCCTTTCCTTTGTGAGGCTGCTGCTCTCTGAGATCTTCCCCAGCAAGCTTAGC-3'